The following is an entry in ClinVar:

NM_014712.3(SETD1A):c.3916G>A (p.Val1306Ile)

Gene: SETD1A (SET domain containing 1A, histone lysine methyltransferase; plus strand). Cytogenetic location: 16p11.2.
Variant type: single nucleotide variant.
Coding change: c.3916G>A on transcript NM_014712.3 (MANE Select); coding-DNA position 3916, G replaced by A.
Protein change: p.Val1306Ile; replaces valine 1306 with isoleucine.
Molecular consequence: missense variant.
Genome position (GRCh38, 1-based): chr16:30,979,702, G>A. VCF-style: chr16-30979702-G-A. GRCh37 (hg19) VCF-style: chr16-30991023-G-A.
Other names: short protein forms V1306I.
Identifiers: ClinVar variation 3036173 (VCV003036173.2), dbSNP rs767236633, ClinGen allele CA8017408.

ClinVar aggregate classification (germline): Likely benign (0 of 4 stars; one submission).

Conditions:
SETD1A-related disorder. Also called: SETD1A-related condition.

Allele frequency attached by ClinVar (database versions not stated): gnomAD 0.00002; TOPMed 0.00007; ExAC 0.00012.
gnomAD v4.1: 95 of 1,603,698 alleles (0.0059%); highest among the groups gnomAD compares: South Asian, 0.058%; no homozygotes.

Submission:

PreventionGenetics, part of Exact Sciences
Classification: Likely benign for SETD1A-related condition. Last evaluated: 2022-03-11. Review status: no assertion criteria provided. Collection method: clinical testing. Allele origin: germline.
Comment: This variant is classified as likely benign based on ACMG/AMP sequence variant interpretation guidelines (Richards et al. 2015 PMID: 25741868, with internal and published modifications).